The following is an entry in ClinVar:

ClinVar aggregate classification (germline): Conflicting classifications of pathogenicity. Review status: criteria provided, conflicting classifications (1 of 4 stars). 8 submissions from 8 submitters: Pathogenic (1); Uncertain significance (7). Last evaluated 2025-07-30.

Conditions:
Familial Mediterranean fever (FMF). Also called: Periodic peritonitis; Benign paroxysmal peritonitis; POLYSEROSITIS, FAMILIAL PAROXYSMAL; POLYSEROSITIS, RECURRENT. Identifiers: Orphanet 342, MedGen C0031069, MONDO:0018088, OMIM 249100. Disease mechanism: gain of function.
Familial Mediterranean fever, autosomal dominant. Also called: Dominant Familial Mediterranean Fever; FMF, AUTOSOMAL DOMINANT. Identifiers: Orphanet 342, MedGen C1851347, MONDO:0007601, OMIM 134610.
Acute febrile neutrophilic dermatosis (AFND). Also called: Gomm Button disease; Sweet Syndrome. Identifiers: Orphanet 3243, MedGen C0085077, MONDO:0011959, OMIM 608068.

Allele frequency attached by ClinVar (database versions not stated): TOPMed 0.00004; 1000 Genomes Project 30x 0.00047; 1000 Genomes Project 0.00060.

Submissions (8):

Women's Health and Genetics/Laboratory Corporation of America, LabCorp
Classification: Uncertain significance. Last evaluated: 2025-07-30. Review status: criteria provided, single submitter. Criteria: LabCorp Variant Classification Summary - May 2015. Collection method: clinical testing. Allele origin: germline.
Comment: Variant summary: MEFV c.250G>A (p.Glu84Lys) results in a conservative amino acid change in the encoded protein sequence. Algorithms developed to predict the effect of missense changes on protein structure and function are either unavailable or do not agree on the potential impact of this missense change. The variant allele was found at a frequency of 0.00011 in 248852 control chromosomes. This frequency is not significantly higher than estimated for a pathogenic variant in MEFV causing Familial Mediterranean Fever (0.00011 vs 0.022), allowing no conclusion about variant significance. However, the allele frequency is 0.016362 (1998/122110), including 21 homozygotes, in healthy Japanese individuals in the jMorp database [PMID: 33179747]. c.250G>A has been observed in individual(s) affected with Familial Mediterranean Fever (examples: Tomiyama_2008, Migita_2014, Kitade_2015, Ishikawa_2018, Kernan_2018, Nakamura_2023). These report(s) do not provide unequivocal conclusions about association of the variant with Familial Mediterranean Fever. Experimental studies have shown that this missense change does not substantially affect MEFV function (Honda_2021). The following publications have been ascertained in the context of this evaluation (PMID: 33733382, 18328141, 24797171, 29175894, 29977033, 37133537, 26027984). ClinVar contains an entry for this variant (Variation ID: 632250). Based on the evidence outlined above, the variant was classified as uncertain significance.

Blueprint Genetics
Classification: Uncertain significance. Last evaluated: 2024-11-11. Review status: criteria provided, single submitter. Criteria: ACMG Guidelines, 2015. Collection method: clinical testing. Allele origin: germline.

Fulgent Genetics
Classification: Uncertain significance for Familial Mediterranean fever, autosomal dominant; Familial Mediterranean fever; Acute febrile neutrophilic dermatosis. Last evaluated: 2024-04-13. Review status: criteria provided, single submitter. Criteria: ACMG Guidelines, 2015. Collection method: clinical testing. Allele origin: germline.

Labcorp Genetics (formerly Invitae), Labcorp
Classification: Uncertain significance for Familial Mediterranean fever. Last evaluated: 2022-08-31. Review status: criteria provided, single submitter. Criteria: Invitae Variant Classification Sherloc (09022015). Collection method: clinical testing. Allele origin: germline.
Comment: This sequence change replaces glutamic acid, which is acidic and polar, with lysine, which is basic and polar, at codon 84 of the MEFV protein (p.Glu84Lys). This variant is present in population databases (rs150819742, gnomAD 0.1%). This missense change has been observed in individual(s) with familial Mediterranean fever (PMID: 24797171, 27473114). ClinVar contains an entry for this variant (Variation ID: 632250). Algorithms developed to predict the effect of missense changes on protein structure and function are either unavailable or do not agree on the potential impact of this missense change (SIFT: "Tolerated"; PolyPhen-2: "Probably Damaging"; Align-GVGD: "Class C0"). Experimental studies have shown that this missense change does not substantially affect MEFV function (PMID: 33733382). In summary, the available evidence is currently insufficient to determine the role of this variant in disease. Therefore, it has been classified as a Variant of Uncertain Significance.

Baylor Genetics
Classification: Uncertain significance for Familial Mediterranean fever, autosomal dominant. Last evaluated: 2021-11-22. Review status: criteria provided, single submitter. Criteria: ACMG Guidelines, 2015. Collection method: clinical testing. Allele origin: unknown.

Mendelics
Classification: Uncertain significance for Familial Mediterranean fever. Last evaluated: 2019-05-28. Review status: criteria provided, single submitter. Criteria: Mendelics Assertion Criteria 2017. Collection method: clinical testing. Allele origin: unknown.

ARUP Laboratories, Molecular Genetics and Genomics, ARUP Laboratories
Classification: Uncertain significance. Last evaluated: 2019-01-22. Review status: criteria provided, single submitter. Criteria: ARUP Molecular Germline Variant Investigation Process. Collection method: clinical testing. Allele origin: germline.
Comment: The MEFV c.250G>A; p.Glu84Lys variant (rs150819742) is reported in the literature in several individuals with familial Mediterranean fever (Kernan 2018, Kitade 2015, Migita 2014, Tomiyama 2008). Some of these individuals were reported as compound heterozygous but not with a known pathogenic MEFV variant. This variant is found in the general population with an overall allele frequency of 0.01% (27/248852 alleles) and increased frequency of 0.1% in East Asians (Genome Aggregation Database). The glutamate at codon 84 is highly conserved and computational analyses (SIFT, PolyPhen-2) predict that this variant is deleterious. However, due to limited information, the clinical significance of this variant is uncertain at this time. REFERENCES Kernan KF et al. Adults with septic shock and extreme hyperferritinemia exhibit pathogenic immune variation. Genes Immun. 2018 Jul 6. Kitade T et al. Usefulness of Small Intestinal Endoscopy in a Case of Adult-onset Familial Mediterranean Fever Associated with Jejunoileitis. Intern Med. 2015;54(11):1343-7. Migita K et al. Familial Mediterranean fever: genotype-phenotype correlations in Japanese patients. Medicine (Baltimore). 2014 May;93(3):158-64. Tomiyama N et al. MEFV mutation analysis of familial Mediterranean fever in Japan. Clin Exp Rheumatol. 2008 Jan-Feb;26(1):13-7.

Illumina Laboratory Services, Illumina
Classification: Pathogenic for Familial Mediterranean fever. Last evaluated: 2017-06-26. Review status: criteria provided, single submitter. Criteria: ICSL Variant Classification Criteria 09 May 2019. Collection method: clinical testing. Allele origin: germline.
Comment: The MEFV c.250G>A (p.Glu84Lys) variant has been reported in at least six studies in which it is found in at least 23 individuals with familial Mediterranean fever (FMF) including in five in a compound heterozygous state, in four in a complex compound heterozygous state, and in fourteen in a heterozygous state, six of whom presented with an atypical form of FMF. The p.Glu84Lys variant was also detected in four individuals who carried the same two additional variants with unknown phase (Tomiyama et al. 2008; Kishida et al. 2014; Migita et al. 2014; Yoshioka et al. 2014; Kitade et al. 2015; Nonaka et al. 2015). The p.Glu84Lys variant is described as a low-penetrance variant based on the carrier rate in the Japanese general population (Migita et al. 2014). Control data are unavailable for this variant, which is reported at a frequency of 0.014423 in the Japanese in Tokyo, Japan population of the 1000 Genomes Project. Despite the high frequency in public databases, based on the collective evidence, the p.Glu84Lys variant is classified as pathogenic for familial Mediterranean fever. This variant was observed by ICSL as part of a predisposition screen in an ostensibly healthy population.

Literature cited by the submitters: PubMed 24797171 (cited by 3 submitters); PubMed 18328141 (cited by Women's Health and Genetics/Laboratory Corporation of America, LabCorp and Illumina Laboratory Services, Illumina); PubMed 33733382 (cited by Women's Health and Genetics/Laboratory Corporation of America, LabCorp and Labcorp Genetics (formerly Invitae), Labcorp); PubMed 29175894 (cited by Women's Health and Genetics/Laboratory Corporation of America, LabCorp); PubMed 29977033 (cited by Women's Health and Genetics/Laboratory Corporation of America, LabCorp); PubMed 26027984 (cited by Women's Health and Genetics/Laboratory Corporation of America, LabCorp and Illumina Laboratory Services, Illumina); PubMed 37133537 (cited by Women's Health and Genetics/Laboratory Corporation of America, LabCorp); PubMed 27473114 (cited by Labcorp Genetics (formerly Invitae), Labcorp); PubMed 25088882 (cited by Illumina Laboratory Services, Illumina); PubMed 25261100 (cited by Illumina Laboratory Services, Illumina); PubMed 25286988 (cited by Illumina Laboratory Services, Illumina).

NM_000243.3(MEFV):c.250G>A (p.Glu84Lys)

Gene: MEFV (MEFV innate immunity regulator, pyrin; minus strand). Cytogenetic location: 16p13.3.
Variant type: single nucleotide variant.
Coding change: c.250G>A on transcript NM_000243.3 (MANE Select); coding-DNA position 250, G replaced by A.
Protein change: p.Glu84Lys; replaces glutamic acid 84 with lysine.
Molecular consequence: missense variant.
Genome position (GRCh38, 1-based): chr16:3,256,338, C>T on the plus strand (G>A on the coding strand, the complement: MEFV is on the minus strand). VCF-style: chr16-3256338-C-T. GRCh37 (hg19) VCF-style: chr16-3306338-C-T.
Other names: c.250G>A, p.Glu84Lys (NM_001198536.2); short protein forms E84K.
Identifiers: ClinVar variation 632250 (VCV000632250.18), dbSNP rs150819742, ClinGen allele CA7860493.